The following is an entry in ClinVar:

NM_005154.5(USP8):c.3292T>G (p.Ser1098Ala)

Genes: USP8 (ubiquitin specific peptidase 8; plus strand), USP50 (ubiquitin specific peptidase 50; minus strand). Cytogenetic location: 15q21.2.
Variant type: single nucleotide variant.
Coding change: c.3292T>G on transcript NM_005154.5 (MANE Select); coding-DNA position 3292, T replaced by G.
Protein change: p.Ser1098Ala; replaces serine 1098 with alanine.
Molecular consequence: missense variant.
Genome position (GRCh38, 1-based): chr15:50,499,023, T>G. VCF-style: chr15-50499023-T-G. GRCh37 (hg19) VCF-style: chr15-50791220-T-G.
Other names: c.3292T>G, p.Ser1098Ala (NM_001128610.3); c.2974T>G, p.Ser992Ala (NM_001283049.2); short protein forms S992A, S1098A.
Identifiers: ClinVar variation 1044045 (VCV001044045.8), dbSNP rs762795803, ClinGen allele CA270510862.

ClinVar aggregate classification (germline): Uncertain significance (1 of 4 stars; one submission).

Conditions:
Hereditary spastic paraplegia. Also called: Familial spastic paraparesis. Identifiers: Orphanet 685, MedGen C0037773, MONDO:0019064. Disease mechanism: loss of function.

gnomAD v4.1: 3 of 1,613,956 alleles (0.00019%); highest among the groups gnomAD compares: African/African-American, 0.0013%; no homozygotes.

Submission:

Labcorp Genetics (formerly Invitae), Labcorp
Classification: Uncertain significance for Hereditary spastic paraplegia. Last evaluated: 2020-06-27. Review status: criteria provided, single submitter. Criteria: Invitae Variant Classification Sherloc (09022015). Collection method: clinical testing. Allele origin: germline.
Comment: This variant is not present in population databases (ExAC no frequency). This sequence change replaces serine with alanine at codon 1098 of the USP8 protein (p.Ser1098Ala). The serine residue is highly conserved and there is a moderate physicochemical difference between serine and alanine. This variant has not been reported in the literature in individuals with USP8-related conditions. Algorithms developed to predict the effect of missense changes on protein structure and function are either unavailable or do not agree on the potential impact of this missense change (SIFT: "Deleterious"; PolyPhen-2: "Probably Damaging"; Align-GVGD: "Class C0"). Algorithms developed to predict the effect of sequence changes on RNA splicing suggest that this variant may create or strengthen a splice site, but this prediction has not been confirmed by published transcriptional studies. In summary, the available evidence is currently insufficient to determine the role of this variant in disease. Therefore, it has been classified as a Variant of Uncertain Significance.